The following is an entry in ClinVar:

ClinVar aggregate classification (germline): Uncertain significance (1 of 4 stars; one submission).

Conditions:
Malignant hyperthermia, susceptibility to, 5 (MHS5). Also called: CACNA1S-Related Malignant Hyperthermia Susceptibility. Identifiers: Orphanet 423, MedGen C1866077, MONDO:0011163, OMIM 601887.

Submission:

All of Us Research Program, National Institutes of Health
Classification: Uncertain significance for Malignant hyperthermia, susceptibility to, 5. Last evaluated: 2023-08-15. Review status: criteria provided, single submitter. Criteria: ACMG Guidelines, 2015. Collection method: clinical testing. Allele origin: germline. Inheritance: Autosomal dominant inheritance. Observed: 1 variant allele, 1 heterozygote.
Comment: This study involves interpretation of variants in research participants for the purpose of population health screening. Participant phenotype was not available at the time of variant classification. Additional details can be found in publication PMID: 35346344, PMCID: PMC8962531

NM_000069.3(CACNA1S):c.2579A>C (p.Lys860Thr)

Gene: CACNA1S (calcium voltage-gated channel subunit alpha1 S; minus strand). Cytogenetic location: 1q32.1.
Variant type: single nucleotide variant.
Coding change: c.2579A>C on transcript NM_000069.3 (MANE Select); coding-DNA position 2579, A replaced by C.
Protein change: p.Lys860Thr; replaces lysine 860 with threonine.
Molecular consequence: missense variant.
Genome position (GRCh38, 1-based): chr1:201,066,965, T>G on the plus strand (A>C on the coding strand, the complement: CACNA1S is on the minus strand). VCF-style: chr1-201066965-T-G. GRCh37 (hg19) VCF-style: chr1-201036093-T-G.
Other names: short protein forms K860T.
Identifiers: ClinVar variation 3072650 (VCV003072650.1), dbSNP rs1478547389, ClinGen allele CA344104219.